The following is an entry in ClinVar:

NM_002769.5(PRSS1):c.653A>T (p.Asp218Val)

Genes: TRB (T cell receptor beta locus; plus strand), PRSS1 (serine protease 1; plus strand). Cytogenetic location: 7q34.
Variant type: single nucleotide variant.
Coding change: c.653A>T on transcript NM_002769.5 (MANE Select); coding-DNA position 653, A replaced by T.
Protein change: p.Asp218Val; replaces aspartic acid 218 with valine.
Molecular consequence: missense variant.
Genome position (GRCh38, 1-based): chr7:142,752,929, A>T. VCF-style: chr7-142752929-A-T. GRCh37 (hg19) VCF-style: chr7-142460780-A-T.
Other names: short protein forms D218V.
Identifiers: ClinVar variation 411137 (VCV000411137.12), dbSNP rs199878511, ClinGen allele CA4530135.

ClinVar aggregate classification (germline): Uncertain significance. Review status: criteria provided, multiple submitters, no conflicts (2 of 4 stars). 2 submissions from 2 submitters: Uncertain significance (2). Last evaluated 2025-04-05.

Conditions:
Hereditary pancreatitis (PCTT). Also called: Hereditary chronic pancreatitis; PRSS1-Related Hereditary Pancreatitis. Identifiers: Orphanet 676, MedGen C0238339, MONDO:0008185, OMIM 167800.

Allele frequency attached by ClinVar (database versions not stated): gnomAD exomes below 0.00001 and 0.00002; ExAC 0.00001; gnomAD 0.00001; TOPMed 0.00002.

Submissions (2):

Ambry Genetics
Classification: Uncertain significance for Hereditary pancreatitis. Last evaluated: 2025-04-05. Review status: criteria provided, single submitter. Criteria: Ambry Variant Classification Scheme 2023. Collection method: clinical testing. Allele origin: germline.
Comment: The p.D218V variant (also known as c.653A>T), located in coding exon 5 of the PRSS1 gene, results from an A to T substitution at nucleotide position 653. The aspartic acid at codon 218 is replaced by valine, an amino acid with highly dissimilar properties. This amino acid position is poorly conserved in available vertebrate species. In addition, this alteration is predicted to be tolerated by in silico analysis. Since supporting evidence is limited at this time, the clinical significance of this alteration remains unclear.

Labcorp Genetics (formerly Invitae), Labcorp
Classification: Uncertain significance for Hereditary pancreatitis. Last evaluated: 2024-04-22. Review status: criteria provided, single submitter. Criteria: Invitae Variant Classification Sherloc (09022015). Collection method: clinical testing. Allele origin: germline.
Comment: This sequence change replaces aspartic acid, which is acidic and polar, with valine, which is neutral and non-polar, at codon 218 of the PRSS1 protein (p.Asp218Val). The frequency data for this variant in the population databases is considered unreliable, as metrics indicate poor data quality at this position in the gnomAD database. This variant has not been reported in the literature in individuals affected with PRSS1-related conditions. ClinVar contains an entry for this variant (Variation ID: 411137). Advanced modeling of protein sequence and biophysical properties (such as structural, functional, and spatial information, amino acid conservation, physicochemical variation, residue mobility, and thermodynamic stability) performed at Invitae indicates that this missense variant is not expected to disrupt PRSS1 protein function with a negative predictive value of 80%. In summary, the available evidence is currently insufficient to determine the role of this variant in disease. Therefore, it has been classified as a Variant of Uncertain Significance.